The following is an entry in ClinVar:

ClinVar aggregate classification (germline): Uncertain significance. Review status: criteria provided, multiple submitters, no conflicts (2 of 4 stars). 3 submissions from 3 submitters: Uncertain significance (3). Last evaluated 2024-09-10.

Conditions:
Inborn genetic diseases. Identifiers: MedGen C0950123, MeSH D030342.
Fraser syndrome 2 (FRASRS2). Identifiers: MedGen C4540036, MONDO:0054738, OMIM 617666.
Isolated cryptophthalmia. Also called: Cryptophthalmos, unilateral or bilateral, isolated; ANKYLOBLEPHARON, SIMPLE. Identifiers: Orphanet 91396, MedGen C1852453, MONDO:0007410, OMIM 123570.

Allele frequency attached by ClinVar (database versions not stated): gnomAD 0.00001; TOPMed 0.00003.
gnomAD v4.1: 6 of 1,608,620 alleles (0.00037%); highest among the groups gnomAD compares: Admixed American, 0.005%; no homozygotes.

Submissions (3):

Ambry Genetics
Classification: Uncertain significance for Inborn genetic diseases. Last evaluated: 2024-09-10. Review status: criteria provided, single submitter. Criteria: Ambry Variant Classification Scheme 2023. Collection method: clinical testing. Allele origin: germline.

Fulgent Genetics
Classification: Uncertain significance for Isolated cryptophthalmia; Fraser syndrome 2. Last evaluated: 2024-02-14. Review status: criteria provided, single submitter. Criteria: ACMG Guidelines, 2015. Collection method: clinical testing. Allele origin: germline.

Labcorp Genetics (formerly Invitae), Labcorp
Classification: Uncertain significance. Last evaluated: 2023-09-05. Review status: criteria provided, single submitter. Criteria: Invitae Variant Classification Sherloc (09022015). Collection method: clinical testing. Allele origin: germline.
Comment: This sequence change replaces isoleucine, which is neutral and non-polar, with leucine, which is neutral and non-polar, at codon 1679 of the FREM2 protein (p.Ile1679Leu). This variant is not present in population databases (gnomAD no frequency). This variant has not been reported in the literature in individuals affected with FREM2-related conditions. Advanced modeling of protein sequence and biophysical properties (such as structural, functional, and spatial information, amino acid conservation, physicochemical variation, residue mobility, and thermodynamic stability) performed at Invitae indicates that this missense variant is not expected to disrupt FREM2 protein function. In summary, the available evidence is currently insufficient to determine the role of this variant in disease. Therefore, it has been classified as a Variant of Uncertain Significance.

NM_207361.6(FREM2):c.5035A>C (p.Ile1679Leu)

Gene: FREM2 (FRAS1 related extracellular matrix 2; plus strand). Cytogenetic location: 13q13.3.
Variant type: single nucleotide variant.
Coding change: c.5035A>C on transcript NM_207361.6 (MANE Select); coding-DNA position 5035, A replaced by C.
Protein change: p.Ile1679Leu; replaces isoleucine 1679 with leucine.
Molecular consequence: missense variant.
Genome position (GRCh38, 1-based): chr13:38,692,379, A>C. VCF-style: chr13-38692379-A-C. GRCh37 (hg19) VCF-style: chr13-39266516-A-C.
Other names: c.5035A>C (NM_207361.4); short protein forms I1679L.
Identifiers: ClinVar variation 2959506 (VCV002959506.5), dbSNP rs1869927459, ClinGen allele CA387894399.
Genomic context (GRCh38, chr13:38,692,379, plus strand): 5'-GCAGTGAATAAGGGGGCCTCTACACTTCGCACTCTAGCCACTGGCCACTTGGGGTTCATG[A>C]TCACAAGCAAAATATTGAAAGTGGAGGACAGAGACAGCTTACACATTTCTCTTAGATTTA-3'
Protein context (NP_997244.4, residues 1669-1689): TLATGHLGFM[Ile1679Leu]TSKILKVEDR